The following is an entry in ClinVar:

ClinVar aggregate classification (germline): Pathogenic/Likely pathogenic. Review status: criteria provided, multiple submitters, no conflicts (2 of 4 stars). 4 submissions from 4 submitters: Pathogenic (2); Likely pathogenic (2). Last evaluated 2025-02-05.

Conditions:
IMPG2-related disorders.
Retinitis pigmentosa 56 (RP56). Identifiers: Orphanet 791, MedGen C3150819, MONDO:0013314, OMIM 613581.

Allele frequency attached by ClinVar (database versions not stated): gnomAD exomes below 0.00001; TOPMed below 0.00001.
gnomAD v4.1: 2 of 1,613,988 alleles (0.00012%); highest among the groups gnomAD compares: East Asian, 0.0022%; no homozygotes.

Submissions (4):

SingHealth Duke-NUS Institute of Precision Medicine
Classification: Likely pathogenic for Retinitis pigmentosa 56. Last evaluated: 2025-02-05. Review status: criteria provided, single submitter. Criteria: PRISM ACMG Classification Criteria. Collection method: clinical testing. Allele origin: germline. Affected: yes.
Comment: Variant is predicted to cause nonsense-mediated decay in a gene where LOF is a known cause of pathogenicity (PVS1). Variant is not found in gnomAD genomes, and homozygous allele count in gnomAD exomes is than 0 (PM2).

Blueprint Genetics
Classification: Likely pathogenic for IMPG2-related disorders. Last evaluated: 2023-05-29. Review status: criteria provided, single submitter. Criteria: ACMG Guidelines, 2015. Collection method: clinical testing. Allele origin: germline. Affected: yes. Observed: 4 variant alleles.

Labcorp Genetics (formerly Invitae), Labcorp
Classification: Pathogenic. Last evaluated: 2020-08-04. Review status: criteria provided, single submitter. Criteria: Invitae Variant Classification Sherloc (09022015). Collection method: clinical testing. Allele origin: germline.
Comment: For these reasons, this variant has been classified as Pathogenic. Loss-of-function variants in IMPG2 are known to be pathogenic (PMID: 20673862). This variant has been observed in individual(s) with retinitis pigmentosa (PMID: 26667666). ClinVar contains an entry for this variant (Variation ID: 865937). This variant is not present in population databases (ExAC no frequency). This sequence change creates a premature translational stop signal (p.Ser530*) in the IMPG2 gene. It is expected to result in an absent or disrupted protein product.

Juno Genomics, Hangzhou Juno Genomics, Inc
Classification: Pathogenic for Retinitis pigmentosa 56. Review status: criteria provided, single submitter. Criteria: ACMG Guidelines, 2015. Collection method: clinical testing. Allele origin: germline.
Comment: Absent from controls (or at extremely low frequency if recessive) in Genome Aggregation Database.;Null variant in a gene where loss of function (LOF) is a known mechanism of disease.;For recessive disorders, detected in trans with a pathogenic variant.

Literature cited by the submitters: PubMed 20673862 (cited by Labcorp Genetics (formerly Invitae), Labcorp); PubMed 26667666 (cited by Labcorp Genetics (formerly Invitae), Labcorp).

NM_016247.4(IMPG2):c.1589C>A (p.Ser530Ter)

Gene: IMPG2 (interphotoreceptor matrix proteoglycan 2; minus strand). Cytogenetic location: 3q12.3.
Variant type: single nucleotide variant.
Coding change: c.1589C>A on transcript NM_016247.4 (MANE Select); coding-DNA position 1589, C replaced by A.
Protein change: p.Ser530Ter; replaces serine 530 with a stop codon.
Molecular consequence: nonsense.
Genome position (GRCh38, 1-based): chr3:101,244,742, G>T on the plus strand (C>A on the coding strand, the complement: IMPG2 is on the minus strand). VCF-style: chr3-101244742-G-T. GRCh37 (hg19) VCF-style: chr3-100963586-G-T.
Other names: short protein forms S530*.
Identifiers: ClinVar variation 865937 (VCV000865937.14), dbSNP rs1472199114, ClinGen allele CA353860540.
Genomic context (GRCh38, chr3:101,244,742, plus strand): 5'-TCTTCCATGGATGGTATTGTTTCTTTTGGCACAGGTTGAGTGAATGAACTTGAAGGCAAT[G>T]AATCAATAGAAAGAAAATCTTCTGACTCTTCAACATTGGCTAATCCTAAAAATAAAGTTT-3'